The following is an entry in ClinVar:

ClinVar aggregate classification (germline): Uncertain significance. Review status: criteria provided, single submitter (1 of 4 stars). 2 submissions from 2 submitters: Uncertain significance (1). 1 of the submissions does not count toward it. Last evaluated 2026-06-09.

Conditions:
Xeroderma pigmentosum group A (XPA). Also called: Xeroderma pigmentosum, complementation group A; XP, group A; XPA-Related Xeroderma Pigmentosum. Identifiers: Orphanet 910, MedGen C0268135, MONDO:0010210, OMIM 278700.

Submissions (2):

Women's Health and Genetics/Laboratory Corporation of America, LabCorp
Classification: Uncertain significance. Last evaluated: 2026-06-09. Review status: criteria provided, single submitter. Criteria: LabCorp Variant Classification Summary - May 2015. Collection method: clinical testing. Allele origin: germline.
Comment: Variant summary: XPA c.809_810delAT (p.Tyr270X) results in a premature termination codon, predicted to cause a truncation of the encoded protein and not involved in nonsense-mediated mRNA decay. The variant was absent in 250426 control chromosomes (gnomAD). To our knowledge, no occurrence of c.809_810delAT in individuals affected with XPA-related conditions and no experimental evidence demonstrating its impact on protein function have been reported. ClinVar contains an entry for this variant (Variation ID: 558323). Based on the evidence outlined above, the variant was classified as uncertain significance.

Counsyl
Classification: Uncertain significance for Xeroderma pigmentosum group A. Last evaluated: 2018-05-14. Review status: no assertion criteria provided. Collection method: clinical testing. Allele origin: unknown. Not counted in ClinVar's aggregate classification.

NM_000380.4(XPA):c.809_810del (p.Thr269_Tyr270insTer)

Gene: XPA (XPA, DNA damage recognition and repair factor; minus strand). Cytogenetic location: 9q22.33.
Variant type: Microsatellite.
Coding change: c.809_810del on transcript NM_000380.4 (MANE Select); coding-DNA positions 809 to 810, 2 bases deleted (AT; older notation c.809_810delAT).
Protein change: p.Thr269_Tyr270insTer.
Molecular consequence: nonsense. On other transcripts: non-coding transcript variant (5).
Genome position (GRCh38, 1-based): chr9:97,675,451-97,675,452, AT deleted on the plus strand (AT on the coding strand, the reverse complement: XPA is on the minus strand); deleting any 2 consecutive bases within chr9:97,675,451-97,675,454 gives the same sequence; the c. name uses the placement nearest the transcript's 3' end. VCF-style (leftmost placement, unchanged base first): chr9-97675450-CAT-C. GRCh37 (hg19) VCF-style: chr9-100437732-CAT-C.
Other names: c.683_684del, p.Thr227_Tyr228insTer (NM_001354975.2); c.809_810delAT (NM_000380.4, NM_000380.3).
Identifiers: ClinVar variation 558323 (VCV000558323.5), dbSNP rs1554699256, ClinGen allele CA658821480.
Genomic context (GRCh38, chr9:97,675,450, plus strand): 5'-CCTTTATTTAAATATAAAATTCTATAAAACAGGTCACTGAACTAAAAAATCACATTTTTT[CAT>C]ATGTCAGTTCATGGCCACACATAGTACAAGTCTTACGGTACATGTCATCTTCTAGGTTTT-3'